The following is an entry in ClinVar:

NM_017934.7(PHIP):c.2890-8T>G

Genes: IRAK1BP1 (interleukin 1 receptor associated kinase 1 binding protein 1; plus strand), PHIP (pleckstrin homology domain interacting protein; minus strand). Cytogenetic location: 6q14.1.
Variant type: single nucleotide variant.
Coding change: c.2890-8T>G on transcript NM_017934.7 (MANE Select); 8 bases into the intron before coding-DNA position 2890, T replaced by G.
Molecular consequence: intron variant.
Genome position (GRCh38, 1-based): chr6:78,970,896, A>C on the plus strand (T>G on the coding strand, the complement: PHIP is on the minus strand). VCF-style: chr6-78970896-A-C. GRCh37 (hg19) VCF-style: chr6-79680613-A-C.
Identifiers: ClinVar variation 450681 (VCV000450681.3), dbSNP rs1554198312, ClinGen allele CA658657605.
Genomic context (GRCh38, chr6:78,970,896, plus strand): 5'-TTTTTCCGGGCCATTTCGACATAGGCTTCATGTCCTTGTCGGAAATAATAAACCTAAAAA[A>C]TAAAGTCATAATCTTACAACCTGGATGTGTTTCCTTTAATCCAATATACAGGGTATCAGC-3'

ClinVar aggregate classification (germline): Likely pathogenic (1 of 4 stars; one submission).

Submission:

GeneDx
Classification: Likely pathogenic. Last evaluated: 2019-04-29. Review status: criteria provided, single submitter. Criteria: GeneDx Variant Classification Process June 2021. Collection method: clinical testing. Allele origin: germline. Affected: yes.
Comment: Not observed in large population cohorts (Lek et al., 2016); Has not been previously published as pathogenic or benign to our knowledge; In-silico analysis, which includes splice predictors and evolutionary conservation, is inconclusive as to whether the variant alters gene splicing. In the absence of RNA/functional studies, the actual effect of this sequence change is unknown.